The following is an entry in ClinVar:

NM_004168.4(SDHA):c.528G>C (p.Gln176His)

Gene: SDHA (succinate dehydrogenase complex flavoprotein subunit A; plus strand). Cytogenetic location: 5p15.33.
Variant type: single nucleotide variant.
Coding change: c.528G>C on transcript NM_004168.4 (MANE Select); coding-DNA position 528, G replaced by C.
Protein change: p.Gln176His; replaces glutamine 176 with histidine.
Molecular consequence: missense variant.
Genome position (GRCh38, 1-based): chr5:225,954, G>C. VCF-style: chr5-225954-G-C. GRCh37 (hg19) VCF-style: chr5-226069-G-C.
Other names: c.384G>C, p.Gln128His (NM_001294332.2); c.528G>C, p.Gln176His (NM_001330758.2); short protein forms Q128H, Q176H.
Identifiers: ClinVar variation 1055708 (VCV001055708.9), dbSNP rs769454045, ClinGen allele CA112816007.
Genomic context (GRCh38, chr5:225,954, plus strand): 5'-TGGCATGCCGTTTAGCAGAACTGAAGATGGGAAGATTTATCAGCGTGCATTTGGTGGACA[G>C]AGCCTCAAGTTTGGAAAGGGCGGGCAGGCCCATCGGTGCTGCTGTGTGGCTGATCGGACT-3'
Protein context (NP_004159.2, residues 166-186): GKIYQRAFGG[Gln176His]SLKFGKGGQA

ClinVar aggregate classification (germline): Uncertain significance (1 of 4 stars; one submission).

Conditions:
Mitochondrial complex II deficiency, nuclear type 1. Also called: SUCCINATE CoQ REDUCTASE DEFICIENCY. Identifiers: Orphanet 3208, MedGen C5700310, MONDO:0100294, OMIM 252011.
Pheochromocytoma/paraganglioma syndrome 5. Also called: Paragangliomas 5; SDHA-Related Hereditary Paraganglioma-Pheochromocytoma Syndrome. Identifiers: Orphanet 29072, MedGen C3279992, MONDO:0013602, OMIM 614165.

Submission:

Labcorp Genetics (formerly Invitae), Labcorp
Classification: Uncertain significance for Pheochromocytoma/paraganglioma syndrome 5; Mitochondrial complex II deficiency, nuclear type 1. Last evaluated: 2020-08-14. Review status: criteria provided, single submitter. Criteria: Invitae Variant Classification Sherloc (09022015). Collection method: clinical testing. Allele origin: germline.
Comment: This sequence change replaces glutamine with histidine at codon 176 of the SDHA protein (p.Gln176His). The glutamine residue is highly conserved and there is a small physicochemical difference between glutamine and histidine. This variant is not present in population databases (ExAC no frequency). This variant has not been reported in the literature in individuals with SDHA-related conditions. Advanced modeling of protein sequence and biophysical properties (such as structural, functional, and spatial information, amino acid conservation, physicochemical variation, residue mobility, and thermodynamic stability) performed at Invitae indicates that this missense variant is not expected to disrupt SDHA protein function. In summary, the available evidence is currently insufficient to determine the role of this variant in disease. Therefore, it has been classified as a Variant of Uncertain Significance.